The following is an entry in ClinVar:

ClinVar aggregate classification (germline): Likely benign. Review status: criteria provided, multiple submitters, no conflicts (2 of 4 stars). 2 submissions from 2 submitters: Likely benign (2). Last evaluated 2026-02-01.

Conditions:
Developmental and epileptic encephalopathy, 21 (DEE21). Also called: Early infantile epileptic encephalopathy 21. Identifiers: Orphanet 442835, MedGen C4014430, MONDO:0014360, OMIM 615833.

gnomAD v4.1: 24 of 1,613,850 alleles (0.0015%); highest among the groups gnomAD compares: Admixed American, 0.017%; no homozygotes.

Submissions (2):

CeGaT Center for Human Genetics Tuebingen
Classification: Likely benign. Last evaluated: 2026-02-01. Review status: criteria provided, single submitter. Criteria: CeGaT Center For Human Genetics Tuebingen Variant Classification Criteria Version 2. Collection method: clinical testing. Allele origin: germline. Affected: yes. Observed: 1 variant allele.
Comment: NECAP1: BP4, BP7

Labcorp Genetics (formerly Invitae), Labcorp
Classification: Likely benign for Developmental and epileptic encephalopathy, 21. Last evaluated: 2025-08-09. Review status: criteria provided, single submitter. Criteria: Invitae Variant Classification Sherloc (09022015). Collection method: clinical testing. Allele origin: germline.

NM_015509.4(NECAP1):c.648G>T (p.Pro216=)

Gene: NECAP1 (NECAP endocytosis associated 1; plus strand). Cytogenetic location: 12p13.31.
Variant type: single nucleotide variant.
Coding change: c.648G>T on transcript NM_015509.4 (MANE Select); coding-DNA position 648, G replaced by T.
Protein change: p.Pro216=; no amino-acid change (proline 216 retained).
Molecular consequence: synonymous variant. On other transcripts: non-coding transcript variant (1).
Genome position (GRCh38, 1-based): chr12:8,093,027, G>T. VCF-style: chr12-8093027-G-T. GRCh37 (hg19) VCF-style: chr12-8245623-G-T.
Identifiers: ClinVar variation 1117157 (VCV001117157.11), dbSNP rs370869772, ClinGen allele CA6432322.